The following is an entry in ClinVar:

NM_017986.4(SLC52A1):c.615C>T (p.Val205=)

Gene: SLC52A1 (solute carrier family 52 member 1; minus strand). Cytogenetic location: 17p13.2.
Variant type: single nucleotide variant.
Coding change: c.615C>T on transcript NM_017986.4 (MANE Select); coding-DNA position 615, C replaced by T.
Protein change: p.Val205=; no amino-acid change (valine 205 retained).
Molecular consequence: synonymous variant.
Genome position (GRCh38, 1-based): chr17:5,033,874, G>A on the plus strand (C>T on the coding strand, the complement: SLC52A1 is on the minus strand). VCF-style: chr17-5033874-G-A. GRCh37 (hg19) VCF-style: chr17-4937169-G-A.
Other names: c.615C>T, p.Val205= (NM_001104577.2); c.615C>T (NM_001104577.1).
Identifiers: ClinVar variation 1545499 (VCV001545499.10), dbSNP rs145524474, ClinGen allele CA8319750.

ClinVar aggregate classification (germline): Likely benign. Review status: criteria provided, single submitter (1 of 4 stars). 2 submissions from 2 submitters: Likely benign (1). 1 of the submissions does not count toward it. Last evaluated 2025-10-13.

Conditions:
Vitamin B2 deficiency. Identifiers: MedGen C0035528.
SLC52A1-related disorder. Also called: SLC52A1-related condition.

gnomAD v4.1: 132 of 1,614,136 alleles (0.0082%); highest among the groups gnomAD compares: Non-Finnish European, 0.0073%; no homozygotes.

Submissions (2):

Labcorp Genetics (formerly Invitae), Labcorp
Classification: Likely benign for Vitamin B2 deficiency. Last evaluated: 2025-10-13. Review status: criteria provided, single submitter. Criteria: Invitae Variant Classification Sherloc (09022015). Collection method: clinical testing. Allele origin: germline.

PreventionGenetics, part of Exact Sciences
Classification: Likely benign for SLC52A1-related condition. Last evaluated: 2019-09-25. Review status: no assertion criteria provided. Collection method: clinical testing. Allele origin: germline. Not counted in ClinVar's aggregate classification.
Comment: This variant is classified as likely benign based on ACMG/AMP sequence variant interpretation guidelines (Richards et al. 2015 PMID: 25741868, with internal and published modifications).